The following is an entry in ClinVar:

ClinVar aggregate classification (germline): Uncertain significance (1 of 4 stars; one submission).

Conditions:
Pitt-Hopkins-like syndrome 2 (PTHSL2). Identifiers: Orphanet 221150, Orphanet 600663, MedGen C3280479, MONDO:0013690, OMIM 614325.

Submission:

Labcorp Genetics (formerly Invitae), Labcorp
Classification: Uncertain significance for Pitt-Hopkins-like syndrome 2. Last evaluated: 2021-06-03. Review status: criteria provided, single submitter. Criteria: Invitae Variant Classification Sherloc (09022015). Collection method: clinical testing. Allele origin: germline.
Comment: In summary, the available evidence is currently insufficient to determine the role of this variant in disease. Therefore, it has been classified as a Variant of Uncertain Significance. Algorithms developed to predict the effect of missense changes on protein structure and function are either unavailable or do not agree on the potential impact of this missense change (SIFT: "Deleterious"; PolyPhen-2: "Probably Damaging"; Align-GVGD: "Class C0"). This variant has not been reported in the literature in individuals with NRXN1-related conditions. This variant is not present in population databases (ExAC no frequency). This sequence change replaces serine with cysteine at codon 1508 of the NRXN1 protein (p.Ser1508Cys). The serine residue is highly conserved and there is a moderate physicochemical difference between serine and cysteine.

NM_001330078.2(NRXN1):c.4402A>T (p.Ser1468Cys)

Gene: NRXN1 (neurexin 1; minus strand). Cytogenetic location: 2p16.3.
Variant type: single nucleotide variant.
Coding change: c.4402A>T on transcript NM_001330078.2 (MANE Select); coding-DNA position 4402, A replaced by T.
Protein change: p.Ser1468Cys; replaces serine 1468 with cysteine.
Molecular consequence: missense variant.
Genome position (GRCh38, 1-based): chr2:49,922,066, T>A on the plus strand (A>T on the coding strand, the complement: NRXN1 is on the minus strand). VCF-style: chr2-49922066-T-A. GRCh37 (hg19) VCF-style: chr2-50149204-T-A.
Other names: c.4522A>T, p.Ser1508Cys (NM_001135659.3); c.307A>T, p.Ser103Cys (NM_001320156.4); c.298A>T, p.Ser100Cys (NM_001320157.4); c.4378A>T, p.Ser1460Cys (NM_001330077.2); c.4369A>T, p.Ser1457Cys (NM_001330082.2); c.4237A>T, p.Ser1413Cys (NM_001330083.2); c.4336A>T, p.Ser1446Cys (NM_001330084.2); c.4375A>T, p.Ser1459Cys (NM_001330085.2); and 12 more; short protein forms S103C, S1398C, S1401C, S1408C, S1438C, S1457C, S1461C, S433C.
Identifiers: ClinVar variation 1474287 (VCV001474287.8), dbSNP rs1668299602, ClinGen allele CA346818431.